The following is an entry in ClinVar:

ClinVar aggregate classification (germline): Pathogenic (1 of 4 stars; one submission).

Conditions:
Fanconi anemia (FA). Also called: Fanconi's anemia. Identifiers: Orphanet 84, MedGen C0015625, MeSH D005199, MONDO:0019391.

Submission:

Labcorp Genetics (formerly Invitae), Labcorp
Classification: Pathogenic for Fanconi anemia. Last evaluated: 2024-01-25. Review status: criteria provided, single submitter. Criteria: Invitae Variant Classification Sherloc (09022015). Collection method: clinical testing. Allele origin: unknown.
Comment: This variant is a gross deletion of the genomic region encompassing exon(s) 4-29 of the FANCA gene. This deletion is out-of-frame, and is expected to create a premature termination codon and result in an absent or disrupted protein product. Loss-of-function variants in FANCA are known to be pathogenic (PMID: 19367192). A similar copy number variant has been observed in individual(s) with autosomal recessive Fanconi anemia (PMID: 22778927, 28690869). For these reasons, this variant has been classified as Pathogenic.

Literature cited by the submitters: PubMed 19367192; PubMed 22778927; PubMed 28690869.

NC_000016.9:g.(?_89828337)_(89877499_?)del

Gene: FANCA (FA complementation group A; minus strand). Cytogenetic location: 16q24.3.
Variant type: Deletion.
Identifiers: ClinVar variation 3243278 (VCV003243278.1).